The following is an entry in ClinVar:

ClinVar aggregate classification (germline): Likely pathogenic (1 of 4 stars; one submission).

Conditions:
Osteogenesis imperfecta with normal sclerae, dominant form (OI4). Also called: Osteogenesis Imperfecta Type IV; Common Variable Osteogenesis Imperfecta with Normal Sclerae; OSTEOGENESIS IMPERFECTA WITH NORMAL SCLERAE; Osteogenesis imperfecta type 4; OSTEOGENESIS IMPERFECTA, TYPE IV, WITH DENTINOGENESIS IMPERFECTA. Identifiers: Orphanet 216820, Orphanet 666, MedGen C0268363, MONDO:0008148, OMIM 166220.
Osteogenesis imperfecta, perinatal lethal (OI2). Also called: OSTEOGENESIS IMPERFECTA, TYPE II; Osteogenesis imperfecta type 2; OI, TYPE II; OSTEOGENESIS IMPERFECTA CONGENITA; VROLIK TYPE OF OSTEOGENESIS IMPERFECTA; Osteogenesis imperfecta, dominant perinatal lethal. Identifiers: Orphanet 216804, MedGen C0268358, MONDO:0008147, OMIM 166210.
Osteogenesis imperfecta type III (OI3). Also called: Osteogenesis imperfecta type 3; OI type 3; Osteogenesis imperfecta, progressively deforming with normal sclerae; OI type III; Progressively Deforming Osteogenesis Imperfecta. Identifiers: Orphanet 216812, Orphanet 666, MedGen C0268362, MONDO:0009804, OMIM 259420.
Combined osteogenesis imperfecta and Ehlers-Danlos syndrome 2. Also called: OIEDS SYNDROME 2. Identifiers: MedGen C5436847, MONDO:0030855, OMIM 619120.

Submission:

New York Genome Center
Classification: Likely pathogenic for Combined osteogenesis imperfecta and Ehlers-Danlos syndrome 2; Osteogenesis imperfecta, perinatal lethal; Osteogenesis imperfecta type III; Osteogenesis imperfecta with normal sclerae, dominant form. Last evaluated: 2024-06-01. Review status: criteria provided, single submitter. Criteria: NYGC Assertion Criteria 2020. Collection method: clinical testing. Allele origin: de novo. Affected: yes. Observed: 1 variant allele, 1 heterozygote.
Comment: The apparently de novo c.2079+3A>T variant identified in the COL1A2 gene has not previously been reported in the literature or public variant repositories (ClinVar and HGMD). The c.2079+3A>T variant is absent from population databases (gnomAD v4.0.0, TOPMed Freeze 10, All of Us), suggesting it is not a common benign variant in the populations represented in those databases. The c.2079+3A>T variant is located at the +3 nucleotide of the splice donor region of exon 34 of this 51-exon gene. This variant is predicted to affect mRNA splicing and lead to either exon skipping (in-frame) of exon 34 within the triple helical domain,or a 3 amino acid (in-frame) deletion of a Gly-X-Y repeat within in the triple helical domain of the protein (Splice AI: donor loss: delta score 0.55(-3bp); acceptor loss:delta score 0.32 (-56bp); donor gain: delta score 0.35 (-11bp); however, there are no functional studies to support or refute these predictions. Several in-frame deletions and duplications within the helical domain region of COL1A2 have been reported in the literature in individuals with severe Osteogenesis Imperfecta [PMID:11668615, 18996919]. Based on available evidence this apparently de novo heterozygous c.2079+3A>T variant identified in COL1A2 gene is classified as Likely Pathogenic.

NM_000089.4(COL1A2):c.2079+3A>T

Gene: COL1A2 (collagen type I alpha 2 chain; plus strand). Cytogenetic location: 7q21.3.
Variant type: single nucleotide variant.
Coding change: c.2079+3A>T on transcript NM_000089.4 (MANE Select); 3 bases into the intron after coding-DNA position 2079, A replaced by T.
Molecular consequence: intron variant.
Genome position (GRCh38, 1-based): chr7:94,419,554, A>T. VCF-style: chr7-94419554-A-T. GRCh37 (hg19) VCF-style: chr7-94048866-A-T.
Other names: c.2079+3A>T (NM_000089.3).
Identifiers: ClinVar variation 4888371 (VCV004888371.1).